The following is an entry in ClinVar:

NM_005529.7(HSPG2):c.2599G>A (p.Gly867Arg)

Gene: HSPG2 (heparan sulfate proteoglycan 2; minus strand). Cytogenetic location: 1p36.12.
Variant type: single nucleotide variant.
Coding change: c.2599G>A on transcript NM_005529.7 (MANE Select); coding-DNA position 2599, G replaced by A.
Protein change: p.Gly867Arg; replaces glycine 867 with arginine.
Molecular consequence: missense variant.
Genome position (GRCh38, 1-based): chr1:21,878,451, C>T on the plus strand (G>A on the coding strand, the complement: HSPG2 is on the minus strand). VCF-style: chr1-21878451-C-T. GRCh37 (hg19) VCF-style: chr1-22204944-C-T.
Other names: c.2602G>A, p.Gly868Arg (NM_001291860.2); short protein forms G867R, G868R.
Identifiers: ClinVar variation 2432595 (VCV002432595.8), dbSNP rs147301154, ClinGen allele CA672979.

ClinVar aggregate classification (germline): Uncertain significance. Review status: criteria provided, multiple submitters, no conflicts (2 of 4 stars). 3 submissions from 3 submitters: Uncertain significance (3). Last evaluated 2026-02-01.

Conditions:
Inborn genetic diseases. Identifiers: MedGen C0950123, MeSH D030342.

Allele frequency attached by ClinVar (database versions not stated): gnomAD 0.00005; TOPMed 0.00007; ESP Exome Variant Server 0.00008; 1000 Genomes Project 30x 0.00016; 1000 Genomes Project 0.00020.
gnomAD v4.1: 52 of 1,607,754 alleles (0.0032%); highest among the groups gnomAD compares: South Asian, 0.027%; no homozygotes.

Submissions (3):

CeGaT Center for Human Genetics Tuebingen
Classification: Uncertain significance. Last evaluated: 2026-02-01. Review status: criteria provided, single submitter. Criteria: CeGaT Center For Human Genetics Tuebingen Variant Classification Criteria Version 2. Collection method: clinical testing. Allele origin: germline. Affected: yes. Observed: 1 variant allele.
Comment: HSPG2: PM2

Ambry Genetics
Classification: Uncertain significance for Inborn genetic diseases. Last evaluated: 2024-11-14. Review status: criteria provided, single submitter. Criteria: Ambry Variant Classification Scheme 2023. Collection method: clinical testing. Allele origin: germline.

Revvity Omics, Revvity
Classification: Uncertain significance. Last evaluated: 2019-10-07. Review status: criteria provided, single submitter. Criteria: ACMG Guidelines, 2015. Collection method: clinical testing. Allele origin: germline.